The following is an entry in ClinVar:

ClinVar aggregate classification (germline): Likely benign (1 of 4 stars; one submission).

Allele frequency attached by ClinVar (database versions not stated): 1000 Genomes Project 30x 0.00172; 1000 Genomes Project 0.00200; TOPMed 0.00310; gnomAD 0.00344; ESP Exome Variant Server 0.00415; ExAC 0.00465; gnomAD exomes 0.00544.
gnomAD v4.1: 8,416 of 1,607,594 alleles (0.52%); highest among the groups gnomAD compares: Non-Finnish European, 0.63%; 28 homozygotes.

Submission:

CeGaT Center for Human Genetics Tuebingen
Classification: Likely benign. Last evaluated: 2023-01-01. Review status: criteria provided, single submitter. Criteria: CeGaT Center For Human Genetics Tuebingen Variant Classification Criteria Version 2. Collection method: clinical testing. Allele origin: germline. Affected: yes. Observed: 1 variant allele.
Comment: NHERF2: BS2

NM_001130012.3(NHERF2):c.511C>T (p.Arg171Trp)

Gene: NHERF2 (NHERF family PDZ scaffold protein 2; plus strand). Cytogenetic location: 16p13.3.
Variant type: single nucleotide variant.
Coding change: c.511C>T on transcript NM_001130012.3 (MANE Select); coding-DNA position 511, C replaced by T.
Protein change: p.Arg171Trp; replaces arginine 171 with tryptophan.
Molecular consequence: missense variant.
Genome position (GRCh38, 1-based): chr16:2,036,420, C>T. VCF-style: chr16-2036420-C-T. GRCh37 (hg19) VCF-style: chr16-2086421-C-T.
Other names: c.178C>T, p.Arg60Trp (NM_001252073.2, NM_001252076.2); c.172C>T, p.Arg58Trp (NM_001252075.2); c.511C>T, p.Arg171Trp (NM_004785.6); short protein forms R171W, R58W, R60W.
Identifiers: ClinVar variation 2645964 (VCV002645964.24), dbSNP rs139491786, ClinGen allele CA7827732.
Genomic context (GRCh38, chr16:2,036,420, plus strand): 5'-CTCTGCCACCTGCGAAAGGGACCTCAGGGCTATGGGTTCAACCTGCATAGTGACAAGTCC[C>T]GGCCCGGCCAGTACATCCGCTCTGTGGACCCGGGCTCACCTGCCGCCCGCTCTGGCCTCC-3'
Protein context (NP_001123484.1, residues 161-181): YGFNLHSDKS[Arg171Trp]PGQYIRSVDP